The following is an entry in ClinVar:

NM_025243.4(SLC19A3):c.957A>G (p.Val319=)

Gene: SLC19A3 (solute carrier family 19 member 3; minus strand). Cytogenetic location: 2q36.3.
Variant type: single nucleotide variant.
Coding change: c.957A>G on transcript NM_025243.4 (MANE Select); coding-DNA position 957, A replaced by G.
Protein change: p.Val319=; no amino-acid change (valine 319 retained).
Molecular consequence: synonymous variant.
Genome position (GRCh38, 1-based): chr2:227,698,758, T>C on the plus strand (A>G on the coding strand, the complement: SLC19A3 is on the minus strand). VCF-style: chr2-227698758-T-C. GRCh37 (hg19) VCF-style: chr2-228563474-T-C.
Identifiers: ClinVar variation 512237 (VCV000512237.4), dbSNP rs1230756352, ClinGen allele CA431664103.

ClinVar aggregate classification (germline): Likely benign. Review status: criteria provided, multiple submitters, no conflicts (2 of 4 stars). 2 submissions from 2 submitters: Likely benign (2). Last evaluated 2025-08-04.

Conditions:
Biotin-responsive basal ganglia disease (BTBGD). Also called: Thiamine metabolism dysfunction syndrome type 2; THIAMINE METABOLISM DYSFUNCTION SYNDROME 2 (BIOTIN- AND THIAMINE-RESPONSIVE TYPE); Thiamine Transporter-2 Deficiency; Thiamine metabolism dysfunction syndrome 2 (biotin- or thiamine-responsive encephalopathy type 2); thiamine-responsive encephalopathy. Identifiers: Orphanet 199348, Orphanet 65284, MedGen C1843807, MONDO:0011841, OMIM 607483.

Allele frequency attached by ClinVar (database versions not stated): TOPMed below 0.00001; gnomAD exomes 0.00001.
gnomAD v4.1: 10 of 1,613,908 alleles (0.00062%); highest among the groups gnomAD compares: Non-Finnish European, 0.00076%; no homozygotes.

Submissions (2):

Labcorp Genetics (formerly Invitae), Labcorp
Classification: Likely benign for Biotin-responsive basal ganglia disease. Last evaluated: 2025-08-04. Review status: criteria provided, single submitter. Criteria: Invitae Variant Classification Sherloc (09022015). Collection method: clinical testing. Allele origin: germline.

GeneDx
Classification: Likely benign. Last evaluated: 2017-10-10. Review status: criteria provided, single submitter. Criteria: GeneDx Variant Classification (06012015). Collection method: clinical testing. Allele origin: germline. Affected: yes.
Comment: This variant is considered likely benign or benign based on one or more of the following criteria: it is a conservative change, it occurs at a poorly conserved position in the protein, it is predicted to be benign by multiple in silico algorithms, and/or has population frequency not consistent with disease.